The following is an entry in ClinVar:

ClinVar aggregate classification (germline): Uncertain significance (1 of 4 stars; one submission).

Conditions:
Hereditary cancer-predisposing syndrome. Also called: Hereditary neoplastic syndrome; Neoplastic Syndromes, Hereditary; Tumor predisposition; Hereditary Cancer Syndrome. Identifiers: Orphanet 140162, MedGen C0027672, MeSH D009386, MONDO:0015356.

Submission:

Ambry Genetics
Classification: Uncertain significance for Hereditary cancer-predisposing syndrome. Last evaluated: 2025-03-02. Review status: criteria provided, single submitter. Criteria: Ambry Variant Classification Scheme 2023. Collection method: clinical testing. Allele origin: germline.
Comment: The p.S801R variant (also known as c.2403T>G), located in coding exon 10 of the BLM gene, results from a T to G substitution at nucleotide position 2403. The serine at codon 801 is replaced by arginine, an amino acid with dissimilar properties. This amino acid position is conserved. In addition, this alteration is predicted to be deleterious by in silico analysis. Based on the available evidence, the clinical significance of this variant remains unclear.

NM_000057.4(BLM):c.2403T>G (p.Ser801Arg)

Gene: BLM (BLM RecQ like helicase; plus strand). Cytogenetic location: 15q26.1.
Variant type: single nucleotide variant.
Coding change: c.2403T>G on transcript NM_000057.4 (MANE Select); coding-DNA position 2403, T replaced by G.
Protein change: p.Ser801Arg; replaces serine 801 with arginine.
Molecular consequence: missense variant.
Genome position (GRCh38, 1-based): chr15:90,769,228, T>G. VCF-style: chr15-90769228-T-G. GRCh37 (hg19) VCF-style: chr15-91312458-T-G.
Other names: c.2403T>G, p.Ser801Arg (NM_001287246.2, NM_001287247.2); c.1278T>G, p.Ser426Arg (NM_001287248.2); short protein forms S426R, S801R.
Identifiers: ClinVar variation 3824478 (VCV003824478.1).